The following is an entry in ClinVar:

ClinVar aggregate classification (germline): Pathogenic/Likely pathogenic. Review status: criteria provided, multiple submitters, no conflicts (2 of 4 stars). 24 submissions from 24 submitters: Pathogenic (11); Likely pathogenic (10). 3 of the submissions do not count toward it. Last evaluated 2026-07-27.

Conditions:
G6PD-related disorders.
G6PD-related disorder. Also called: G6PD-related condition.
Malaria, susceptibility to. Identifiers: Orphanet 673, MedGen C1970028, MONDO:0021024, OMIM 611162.
Anemia, nonspherocytic hemolytic, due to G6PD deficiency (CNSHA1). Also called: Class I glucose-6-phosphate dehydrogenase deficiency; ANEMIA, CONGENITAL, NONSPHEROCYTIC HEMOLYTIC, 1; Hemolytic anemia due to G6PD deficiency; Favism, susceptibility to. Identifiers: Orphanet 466026, MedGen C2720289, MONDO:0010480, OMIM 300908.
Inborn genetic diseases. Identifiers: MedGen C0950123, MeSH D030342.
G6PD deficiency. Also called: G6PD A-. Identifiers: MedGen C2939465, MONDO:0005775.

Allele frequency attached by ClinVar (database versions not stated): gnomAD exomes 0.00010 and 0.00053; gnomAD 0.00154 and 0.00149; TOPMed 0.00175; ExAC 0.00065; 1000 Genomes Project 30x 0.00333; 1000 Genomes Project 0.00318.
gnomAD v4.1: 308 of 1,211,131 alleles (0.025%); highest among the groups gnomAD compares: African/African-American, 0.37%; 1 homozygote.

Submissions 1 to 9 of 24:

PreventionGenetics, part of Exact Sciences
Classification: Pathogenic for G6PD-related condition. Last evaluated: 2026-07-27. Review status: criteria provided, single submitter. Criteria: ACMG Guidelines, 2015. Collection method: clinical testing. Allele origin: germline.
Comment: The G6PD c.968T>C variant is predicted to result in the amino acid substitution p.Leu323Pro. This variant, when present on the same allele as the c.376A>G risk variant, are collectively referred to as G6PD Betica. This haplotype is causative for Glucose-6-Phosphate Dehydrogenase Deficiency (Manco et al. 2007. PubMed ID: 18056001; Moradkhani et al. 2012. PubMed ID: 22139979). Independently, the c.968T>C variant is reported in 0.54% of alleles in individuals of African descent in gnomAD. The G6PD Betica haplotype is classified as pathogenic.

Ambry Genetics
Classification: Pathogenic for Inborn genetic diseases. Last evaluated: 2026-04-07. Review status: criteria provided, single submitter. Criteria: Ambry Variant Classification Scheme 2023. Collection method: clinical testing. Allele origin: germline.
Comment: The c.[376A>G;968T>C] (p.[N126D;L323P]) complex allele affects exon 9 (coding exon 8) and exon 5 (coding exon 4) of the G6PD gene. This alteration results from a T to C substitution at nucleotide position 968, causing the leucine (L) at amino acid position 323 to be replaced by a proline (P), and from an A to G substitution at nucleotide position 376, causing the asparagine (N) at amino acid position 126 to be replaced by an aspartic acid (D). Based on data from gnomAD, the G6PD c.968T>C allele has an overall frequency of 0.062% (127/205036) total alleles studied. The highest observed frequency was 0.545% (104/19097) of African alleles, including 1 homozygote and 32 hemizygotes; the G6PD c.376A>G alteration was observed in 3.2% (6586/205081) total alleles studied, with a frequency of 31.8% (6025/18923) African alleles, including 714 homozygotes and 1605 hemizygotes. The G6PD c.[968T>C;376A>G] complex allele is also known as the &ldquo;Betica" or "Selma" haplotype, and it is one of the most common G6PD deficiency disease-causing alleles in certain populations (Djigo, 2019; Manco, 2023; Ohlsson, 2019; Powell, 2024). Of note, the c.376A>G (p.N126D) variant is considered benign when seen in isolation (Town, 1992; Shahjahani, 2013). The c.968C>T (p.L323P) variant has been observed without the c.376A>G (p.N126D) variant in individual(s) with G6PD deficiency (Benmansour, 2013). This amino acid position is well conserved in available vertebrate species. In multiple assays testing G6PD function, this variant showed functionally abnormal results (Ram&iacute;rez-Nava, 2017; Praoparotai, 2020). This alteration is predicted to be deleterious by in silico analysis. Based on the available evidence, this alteration is classified as pathogenic.

CeGaT Center for Human Genetics Tuebingen
Classification: Likely pathogenic. Last evaluated: 2026-02-01. Review status: criteria provided, single submitter. Criteria: CeGaT Center For Human Genetics Tuebingen Variant Classification Criteria Version 2. Collection method: clinical testing. Allele origin: germline. Affected: yes. Observed: 2 variant alleles.
Comment: G6PD: PM2, PS3:Moderate, PP1, PS4:Supporting

Variantyx, Inc.
Classification: Pathogenic for Anemia, nonspherocytic hemolytic, due to G6PD deficiency. Last evaluated: 2026-01-13. Review status: criteria provided, single submitter. Criteria: Variantyx Assertion Criteria 2022. Collection method: clinical testing. Allele origin: maternal. Inheritance: X-linked inheritance.
Comment: This is a nonsynonymous variant in the G6PD gene (OMIM: 305900). This variant has been reported in a large number of individuals with X-linked glucose-6-phosphate dehydrogenase (G6PD) deficiency (PMID: 29072585, 16461316, 25141282, 27941691, 22963789, 12064920, 18452027, 24117340, 27413522) (PS4) and has a 0.3680% maximum allele frequency in non-founder control populations. Functional studies have shown that this variant alters G6PD protein function (PMID: 29072585) (PS3), and multiple computational algorithms predict a deleterious effect (REVEL score: 0.813) (PP3). Based on the current evidence, this variant is classified as pathogenic for X-linked glucose-6-phosphate dehydrogenase (G6PD) deficiency.

Genetic Services Laboratory, University of Chicago
Classification: Likely pathogenic. Last evaluated: 2025-12-29. Review status: criteria provided, single submitter. Criteria: ACMG Guidelines, 2015. Collection method: clinical testing. Allele origin: germline.
Comment: The c.968T>C variant: Results in an amino acid change, p.Leu323Pro. Affects a moderately conserved amino acid residue located in a domain of the G6PD protein that is known to be functional. Appears to have contradictory results by in-silico pathogenicity prediction tools. Has previously been described in the literature as a type III reduced function allele with reduced enzyme activity versus wild-type G6PD (PMID: 29072585, 22963789). This particular variant has been reported in the heterozygous state and the hemizygous state in multiple individuals with G6PD deficiency (PMID: 22963789). Has also been reported as G6PD Nefza. database with a frequency of 0.36% in the African/African-American subpopulation (dbSNP rs76723693). ClinVar contains an entry for this variant (Variation ID: 10388). Collectively, this evidence indicates that this variant is likely pathogenic.

3billion
Classification: Likely pathogenic for Anemia, nonspherocytic hemolytic, due to G6PD deficiency. Last evaluated: 2025-12-24. Review status: criteria provided, single submitter. Criteria: ACMG Guidelines, 2015. Collection method: clinical testing. Allele origin: germline. Affected: yes.
Comment: The variant is observed in the gnomAD v4.1.0 dataset (total allele frequency: 0.025%). Predicted Consequence/Location: Missense variant. Missense changes are a common disease-causing mechanism. In silico tool predictions suggest damaging effect of the variant on gene or gene product [REVEL: 0.81 (>=0.6, sensitivity 0.68 and specificity 0.92); 3Cnet: 0.99 (> 0.75, sensitivity 0.96 and precision 0.92)]. The same nucleotide change resulting in the same amino acid change has been previously reported as pathogenic/likely pathogenic with strong evidence (ClinVar ID: VCV000010388 /PMID: 2572288 /3billion dataset). Therefore, this variant is classified as Likely pathogenic according to the recommendation of ACMG/AMP guideline.

Rady Children's Institute for Genomic Medicine, Rady Children's Hospital San Diego
Classification: Likely pathogenic for Anemia, Nonspherocytic hemolytic, due to G6PD deficiency. Last evaluated: 2025-07-31. Review status: criteria provided, single submitter. Criteria: ACMG Guidelines, 2015. Collection method: clinical testing. Allele origin: germline. Affected: yes.
Comment: This previously described variant is also known in the literature as 1058T>C (p.Leu353Pro) and commonly referred to as the Nefza variant. This variant affects a moderately conserved amino acid and is predicted by multiple in silico tools to have a deleterious effect on protein function. The c.968T>C (p.Leu323Pro) variant has been previously reported in an individual with nonspherocytic hemolytic anemia due to G6PD deficiency (PMID:22963789). The p.Leu323Pro variant has been shown to result in a reduction of G6PD enzymatic activity (PMID: 32387609, 29072585). The 968T>C (p.Leu323Pro) variant is present in the latest version of the gnomAD population database at an allele frequency of 0.02% (308/1211131), including one homozygous and 279 hemizygous individuals. Based on the available evidence, the 968T>C (p.Leu323Pro) variant is classified as Likely Pathogenic.

Dasa
Classification: Pathogenic. Last evaluated: 2025-06-19. Review status: criteria provided, single submitter. Criteria: DASA Assertion Criteria. Collection method: clinical testing. Allele origin: germline.
Comment: NM_001360016.2(G6PD):c.968T>C (p.Leu323Pro) is a missense variant that results in the substitution of leucine with proline. Functional evidence supports a deleterious effect on the gene or gene product (PMID: 22963789; PMID: 2572288; PMID: 12367584; PMID: 25141282; PMID: 28195434). This variant has been recurrently observed in individuals with related phenotype (PMID: 22963789; PMID: 2572288; PMID: 12367584; PMID: 25141282; PMID: 28195434). Multiple computational predictions support a deleterious effect on the gene or gene product. The variant is present at low frequency in population datasets. Based on the available data, this variant is classified as pathogenic.

Revvity Omics, Revvity
Classification: Likely pathogenic for Anemia, nonspherocytic hemolytic, due to G6PD deficiency. Last evaluated: 2025-02-12. Review status: criteria provided, single submitter. Criteria: ACMG Guidelines, 2015. Collection method: clinical testing. Allele origin: germline.

NM_001360016.2(G6PD):c.968T>C (p.Leu323Pro)

Gene: G6PD (glucose-6-phosphate dehydrogenase; minus strand). Cytogenetic location: Xq28.
Variant type: single nucleotide variant.
Coding change: c.968T>C on transcript NM_001360016.2 (MANE Select); coding-DNA position 968, T replaced by C.
Protein change: p.Leu323Pro; replaces leucine 323 with proline.
Molecular consequence: missense variant.
Genome position (GRCh38, 1-based): chrX:154,533,025, A>G on the plus strand (T>C on the coding strand, the complement: G6PD is on the minus strand). VCF-style: chrX-154533025-A-G. GRCh37 (hg19) VCF-style: chrX-153761240-A-G.
Other names: G6PD, LEU323PRO; G6PD Nefza; c.1058T>C, p.Leu353Pro (NM_000402.4); c.968T>C, p.Leu323Pro (NM_001042351.3); short protein forms L323P, L353P.
Identifiers: ClinVar variation 10388 (VCV000010388.65), dbSNP rs76723693, ClinGen allele CA120992.
Genomic context (GRCh38, chrX:154,533,025, plus strand): 5'-TAGAGGACGACGGCTGCAAAAGTGGCGGTGGTGGACCCGCGGGGCACCGTGGGGTCGTCC[A>G]GGTACCCTTTGGTGGCCTCGCCCTCTCCATCGGGGTTCCCCACGTACTGGCCCAGGACCA-3'
Protein context (NP_001346945.1, residues 313-333): DGEGEATKGY[Leu323Pro]DDPTVPRGST